The following is an entry in ClinVar:

ClinVar aggregate classification (germline): Uncertain significance. Review status: criteria provided, multiple submitters, no conflicts (2 of 4 stars). 5 submissions from 5 submitters: Uncertain significance (4). 1 of the submissions does not count toward it. Last evaluated 2025-12-21.

Conditions:
Pretibial dystrophic epidermolysis bullosa. Also called: Pretibial epidermolysis bullosa; EPIDERMOLYSIS BULLOSA DYSTROPHICA, PRETIBIAL; Pretibial blistering. Identifiers: Orphanet 79410, MedGen C0432321, MONDO:0007552, OMIM 131850, HP:0012221.
Dominant dystrophic epidermolysis bullosa with absence of skin. Also called: EPIDERMOLYSIS BULLOSA DYSTROPHICA, BART TYPE; EPIDERMOLYSIS BULLOSA WITH CONGENITAL LOCALIZED ABSENCE OF SKIN AND DEFORMITY OF NAILS. Identifiers: MedGen C0268371, MONDO:0007557, OMIM 132000.
Recessive dystrophic epidermolysis bullosa (RDEB). Also called: Recessive DEB (RDEB); EPIDERMOLYSIS BULLOSA DYSTROPHICA, GENERALIZED SEVERE, AUTOSOMAL RECESSIVE; Epidermolysis Bullosa Distrophica Autosomal Recessive (RDEB); epidermolysis bullosa dystrophica, autosomal recessive; DYSTROPHIC EPIDERMOLYSIS BULLOSA, AUTOSOMAL RECESSIVE; EPIDERMOLYSIS BULLOSA DYSTROPHICA, HALLOPEAU-SIEMENS TYPE. Identifiers: Orphanet 79408, Orphanet 79409, MedGen C0079474, MONDO:0009179, OMIM 226600.
Epidermolysis bullosa pruriginosa. Also called: DEB, PRURIGINOSA; DYSTROPHIC EPIDERMOLYSIS BULLOSA PRURIGINOSA. Identifiers: Orphanet 89843, MedGen C1275114, MONDO:0011398, OMIM 604129.
Nonsyndromic congenital nail disorder 8. Also called: TOENAIL DYSTROPHY, ISOLATED. Identifiers: MedGen C1843761, MONDO:0011852, OMIM 607523.
Generalized dominant dystrophic epidermolysis bullosa (DDEB). Also called: Dominant DEB (DDEB); DDEB, generalized; DDEB-gen; DYSTROPHIC EPIDERMOLYSIS BULLOSA, AUTOSOMAL DOMINANT; Epidermolysis bullosa dystrophica, autosomal dominant. Identifiers: Orphanet 231568, MedGen C0432322, MONDO:0007549, OMIM 131750.
Transient bullous dermolysis of the newborn (TBDN). Also called: DYSTROPHIC EPIDERMOLYSIS BULLOSA, NEONATAL; EPIDERMOLYSIS BULLOSA DYSTROPHICA, NEONATAL FORM. Identifiers: Orphanet 79411, MedGen C1851573, MONDO:0007548, OMIM 131705.
Epidermolysis bullosa dystrophica inversa, autosomal recessive. Identifiers: MedGen C2673612.

Allele frequency attached by ClinVar (database versions not stated): gnomAD exomes 0.00005 and 0.00008; TOPMed 0.00005; ExAC 0.00006; gnomAD 0.00006 and 0.00007; ESP Exome Variant Server 0.00023.
gnomAD v4.1: 131 of 1,612,834 alleles (0.0081%); highest among the groups gnomAD compares: Non-Finnish European, 0.011%; no homozygotes.

Submissions (5):

Labcorp Genetics (formerly Invitae), Labcorp
Classification: Uncertain significance. Last evaluated: 2025-12-21. Review status: criteria provided, single submitter. Criteria: Invitae Variant Classification Sherloc (09022015). Collection method: clinical testing. Allele origin: germline.
Comment: This sequence change replaces arginine, which is basic and polar, with cysteine, which is neutral and slightly polar, at codon 2346 of the COL7A1 protein (p.Arg2346Cys). This variant is present in population databases (rs145729761, gnomAD 0.01%). This variant has not been reported in the literature in individuals affected with COL7A1-related conditions. ClinVar contains an entry for this variant (Variation ID: 990824). Invitae Evidence Modeling of protein sequence and biophysical properties (such as structural, functional, and spatial information, amino acid conservation, physicochemical variation, residue mobility, and thermodynamic stability) has been performed for this missense variant. However, the output from this modeling did not meet the statistical confidence thresholds required to predict the impact of this variant on COL7A1 protein function. In summary, the available evidence is currently insufficient to determine the role of this variant in disease. Therefore, it has been classified as a Variant of Uncertain Significance.

Women's Health and Genetics/Laboratory Corporation of America, LabCorp
Classification: Uncertain significance. Last evaluated: 2024-05-06. Review status: criteria provided, single submitter. Criteria: LabCorp Variant Classification Summary - May 2015. Collection method: clinical testing. Allele origin: germline.

CeGaT Center for Human Genetics Tuebingen
Classification: Uncertain significance. Last evaluated: 2023-01-01. Review status: criteria provided, single submitter. Criteria: CeGaT Center For Human Genetics Tuebingen Variant Classification Criteria Version 2. Collection method: clinical testing. Allele origin: germline. Affected: yes. Observed: 1 variant allele.

Fulgent Genetics
Classification: Uncertain significance for Transient bullous dermolysis of the newborn; Generalized dominant dystrophic epidermolysis bullosa; Pretibial dystrophic epidermolysis bullosa; Dominant dystrophic epidermolysis bullosa with absence of skin; Recessive dystrophic epidermolysis bullosa; Epidermolysis bullosa pruriginosa; Nonsyndromic congenital nail disorder 8. Last evaluated: 2022-04-04. Review status: criteria provided, single submitter. Criteria: ACMG Guidelines, 2015. Collection method: clinical testing. Allele origin: unknown.

Natera, Inc.
Classification: Uncertain significance for Autosomal recessive epidermolysis bullosa dystrophica inversa. Last evaluated: 2020-10-01. Review status: no assertion criteria provided. Collection method: clinical testing. Allele origin: germline. Not counted in ClinVar's aggregate classification.

NM_000094.4(COL7A1):c.7036C>T (p.Arg2346Cys)

Gene: COL7A1 (collagen type VII alpha 1 chain; minus strand). Cytogenetic location: 3p21.31.
Variant type: single nucleotide variant.
Coding change: c.7036C>T on transcript NM_000094.4 (MANE Select); coding-DNA position 7036, C replaced by T.
Protein change: p.Arg2346Cys; replaces arginine 2346 with cysteine.
Molecular consequence: missense variant.
Genome position (GRCh38, 1-based): chr3:48,572,033, G>A on the plus strand (C>T on the coding strand, the complement: COL7A1 is on the minus strand). VCF-style: chr3-48572033-G-A. GRCh37 (hg19) VCF-style: chr3-48609466-G-A.
Other names: short protein forms R2346C.
Identifiers: ClinVar variation 990824 (VCV000990824.31), dbSNP rs145729761, ClinGen allele CA2378706.